The following is an entry in ClinVar:

NM_000812.4(GABRB1):c.1399G>A (p.Val467Ile)

Gene: GABRB1 (gamma-aminobutyric acid type A receptor subunit beta1; plus strand). Cytogenetic location: 4p12.
Variant type: single nucleotide variant.
Coding change: c.1399G>A on transcript NM_000812.4 (MANE Select); coding-DNA position 1399, G replaced by A.
Protein change: p.Val467Ile; replaces valine 467 with isoleucine.
Molecular consequence: missense variant.
Genome position (GRCh38, 1-based): chr4:47,425,992, G>A. VCF-style: chr4-47425992-G-A. GRCh37 (hg19) VCF-style: chr4-47428009-G-A.
Other names: short protein forms V467I.
Identifiers: ClinVar variation 1480214 (VCV001480214.6), dbSNP rs1729280438, ClinGen allele CA356767942.
Genomic context (GRCh38, chr4:47,425,992, plus strand): 5'-AATTCCATAGACAAGTGGTCCCGAATGTTTTTCCCCATCACCTTTTCTCTTTTTAATGTC[G>A]TCTATTGGCTTTACTATGTACACTGAGGTCTGTTCTAATGGTTCCATTTAGACTACTTTC-3'
Protein context (NP_000803.2, residues 457-474): FPITFSLFNV[Val467Ile]YWLYYVH

ClinVar aggregate classification (germline): Uncertain significance (1 of 4 stars; one submission).

Allele frequency attached by ClinVar (database versions not stated): gnomAD exomes below 0.00001.
gnomAD v4.1: 2 of 1,601,872 alleles (0.00012%); highest among the groups gnomAD compares: Non-Finnish European, 0.000085%; no homozygotes.

Submission:

Labcorp Genetics (formerly Invitae), Labcorp
Classification: Uncertain significance. Last evaluated: 2025-11-12. Review status: criteria provided, single submitter. Criteria: Invitae Variant Classification Sherloc (09022015). Collection method: clinical testing. Allele origin: germline.
Comment: This sequence change replaces valine, which is neutral and non-polar, with isoleucine, which is neutral and non-polar, at codon 467 of the GABRB1 protein (p.Val467Ile). This variant is not present in population databases (gnomAD no frequency). This variant has not been reported in the literature in individuals affected with GABRB1-related conditions. ClinVar contains an entry for this variant (Variation ID: 1480214). Invitae Evidence Modeling of protein sequence and biophysical properties (such as structural, functional, and spatial information, amino acid conservation, physicochemical variation, residue mobility, and thermodynamic stability) indicates that this missense variant is not expected to disrupt GABRB1 protein function with a negative predictive value of 95%. In summary, the available evidence is currently insufficient to determine the role of this variant in disease. Therefore, it has been classified as a Variant of Uncertain Significance.